The following is an entry in ClinVar:

NM_001012339.3(DNAJC21):c.1174A>G (p.Lys392Glu)

Gene: DNAJC21 (DnaJ heat shock protein family (Hsp40) member C21; plus strand). Cytogenetic location: 5p13.2.
Variant type: single nucleotide variant.
Coding change: c.1174A>G on transcript NM_001012339.3 (MANE Select); coding-DNA position 1174, A replaced by G.
Protein change: p.Lys392Glu; replaces lysine 392 with glutamic acid.
Molecular consequence: missense variant.
Genome position (GRCh38, 1-based): chr5:34,945,792, A>G. VCF-style: chr5-34945792-A-G. GRCh37 (hg19) VCF-style: chr5-34945897-A-G.
Other names: c.1213A>G, p.Lys405Glu (NM_001348420.2); c.1174A>G, p.Lys392Glu (NM_194283.4); c.1174A>G (NM_194283.3); short protein forms K392E, K405E.
Identifiers: ClinVar variation 1439473 (VCV001439473.7), dbSNP rs374884139, ClinGen allele CA3228737.

ClinVar aggregate classification (germline): Uncertain significance. Review status: criteria provided, multiple submitters, no conflicts (2 of 4 stars). 3 submissions from 3 submitters: Uncertain significance (3). Last evaluated 2024-05-14.

Conditions:
Inborn genetic diseases. Identifiers: MedGen C0950123, MeSH D030342.

Allele frequency attached by ClinVar (database versions not stated): gnomAD exomes 0.00005 and 0.00007; TOPMed 0.00005; ExAC 0.00006; ESP Exome Variant Server 0.00008; gnomAD 0.00008 and 0.00009.
gnomAD v4.1: 84 of 1,591,800 alleles (0.0053%); highest among the groups gnomAD compares: Non-Finnish European, 0.001%; 1 homozygote.

Submissions (3):

Blueprint Genetics
Classification: Uncertain significance. Last evaluated: 2024-05-14. Review status: criteria provided, single submitter. Criteria: ACMG Guidelines, 2015. Collection method: clinical testing. Allele origin: germline.

Ambry Genetics
Classification: Uncertain significance for Inborn genetic diseases. Last evaluated: 2022-06-29. Review status: criteria provided, single submitter. Criteria: Ambry Variant Classification Scheme 2023. Collection method: clinical testing. Allele origin: germline.

Labcorp Genetics (formerly Invitae), Labcorp
Classification: Uncertain significance. Last evaluated: 2022-04-19. Review status: criteria provided, single submitter. Criteria: Invitae Variant Classification Sherloc (09022015). Collection method: clinical testing. Allele origin: germline.
Comment: This sequence change replaces lysine, which is basic and polar, with glutamic acid, which is acidic and polar, at codon 392 of the DNAJC21 protein (p.Lys392Glu). This variant is present in population databases (rs374884139, gnomAD 0.2%). This variant has not been reported in the literature in individuals affected with DNAJC21-related conditions. Algorithms developed to predict the effect of missense changes on protein structure and function (SIFT, PolyPhen-2, Align-GVGD) all suggest that this variant is likely to be tolerated. In summary, the available evidence is currently insufficient to determine the role of this variant in disease. Therefore, it has been classified as a Variant of Uncertain Significance.